The following is an entry in ClinVar:

ClinVar aggregate classification (germline): Uncertain significance. Review status: criteria provided, multiple submitters, no conflicts (2 of 4 stars). 2 submissions from 2 submitters: Uncertain significance (2). Last evaluated 2024-06-27.

gnomAD v4.1: 8 of 1,614,248 alleles (0.0005%); highest among the groups gnomAD compares: East Asian, 0.0045%; no homozygotes.

Submissions (2):

Blueprint Genetics
Classification: Uncertain significance. Last evaluated: 2024-06-27. Review status: criteria provided, single submitter. Criteria: ACMG Guidelines, 2015. Collection method: clinical testing. Allele origin: germline.

Labcorp Genetics (formerly Invitae), Labcorp
Classification: Uncertain significance. Last evaluated: 2024-04-10. Review status: criteria provided, single submitter. Criteria: Invitae Variant Classification Sherloc (09022015). Collection method: clinical testing. Allele origin: germline.
Comment: This sequence change replaces histidine, which is basic and polar, with arginine, which is basic and polar, at codon 445 of the FAM161A protein (p.His445Arg). This variant is present in population databases (no rsID available, gnomAD 0.06%). This variant has not been reported in the literature in individuals affected with FAM161A-related conditions. ClinVar contains an entry for this variant (Variation ID: 2080903). Advanced modeling of protein sequence and biophysical properties (such as structural, functional, and spatial information, amino acid conservation, physicochemical variation, residue mobility, and thermodynamic stability) performed at Invitae indicates that this missense variant is not expected to disrupt FAM161A protein function with a negative predictive value of 80%. In summary, the available evidence is currently insufficient to determine the role of this variant in disease. Therefore, it has been classified as a Variant of Uncertain Significance.

NM_001201543.2(FAM161A):c.1334A>G (p.His445Arg)

Gene: FAM161A (FAM161 centrosomal protein A; minus strand). Cytogenetic location: 2p15.
Variant type: single nucleotide variant.
Coding change: c.1334A>G on transcript NM_001201543.2 (MANE Select); coding-DNA position 1334, A replaced by G.
Protein change: p.His445Arg; replaces histidine 445 with arginine.
Molecular consequence: missense variant. On other transcripts: non-coding transcript variant (1).
Genome position (GRCh38, 1-based): chr2:61,839,670, T>C on the plus strand (A>G on the coding strand, the complement: FAM161A is on the minus strand). VCF-style: chr2-61839670-T-C. GRCh37 (hg19) VCF-style: chr2-62066805-T-C.
Other names: c.1334A>G, p.His445Arg (NM_032180.3); short protein forms H445R.
Identifiers: ClinVar variation 2080903 (VCV002080903.4), dbSNP rs918811732, ClinGen allele CA48477372.